The following is an entry in ClinVar:

ClinVar aggregate classification (germline): Uncertain significance (1 of 4 stars; one submission).

Conditions:
Hereditary pancreatitis (PCTT). Also called: PRSS1-Related Hereditary Pancreatitis; Hereditary chronic pancreatitis. Identifiers: Orphanet 676, MedGen C0238339, MONDO:0008185, OMIM 167800.

Submission:

Ambry Genetics
Classification: Uncertain significance for Hereditary pancreatitis. Last evaluated: 2024-04-14. Review status: criteria provided, single submitter. Criteria: Ambry Variant Classification Scheme 2023. Collection method: clinical testing. Allele origin: germline.
Comment: The p.G62D variant (also known as c.185G>A), located in coding exon 2 of the PRSS1 gene, results from a G to A substitution at nucleotide position 185. The glycine at codon 62 is replaced by aspartic acid, an amino acid with similar properties. This amino acid position is conserved. In addition, the in silico prediction for this alteration is inconclusive. Based on the available evidence, the clinical significance of this variant remains unclear.

NM_002769.5(PRSS1):c.185G>A (p.Gly62Asp)

Genes: PRSS1 (serine protease 1; plus strand), TRB (T cell receptor beta locus; plus strand). Cytogenetic location: 7q34.
Variant type: single nucleotide variant.
Coding change: c.185G>A on transcript NM_002769.5 (MANE Select); coding-DNA position 185, G replaced by A.
Protein change: p.Gly62Asp; replaces glycine 62 with aspartic acid.
Molecular consequence: missense variant. On other transcripts: non-coding transcript variant (2).
Genome position (GRCh38, 1-based): chr7:142,750,699, G>A. VCF-style: chr7-142750699-G-A. GRCh37 (hg19) VCF-style: chr7-142458550-G-A.
Other names: short protein forms G62D.
Identifiers: ClinVar variation 3310646 (VCV003310646.1).